The following is an entry in ClinVar:

ClinVar aggregate classification (germline): Likely benign. Review status: criteria provided, multiple submitters, no conflicts (2 of 4 stars). 2 submissions from 2 submitters: Likely benign (2). Last evaluated 2024-06-20.

Conditions:
Familial cancer of breast. Also called: BREAST CANCER, FAMILIAL; Hereditary breast cancer; hereditary breast carcinoma. Identifiers: Orphanet 227535, MedGen C0346153, MONDO:0016419, OMIM 114480. Disease mechanism: loss of function.
Ataxia-telangiectasia syndrome (AT). Also called: Cerebello-oculocutaneous telangiectasia; Immunodeficiency with ataxia telangiectasia; Ataxia-telangiectasia, complementation group E; Ataxia-telangiectasia, complementation group D; AT, COMPLEMENTATION GROUP C; ATAXIA-TELANGIECTASIA, COMPLEMENTATION GROUP A. Identifiers: Orphanet 100, MedGen C0004135, MONDO:0008840, OMIM 208900.

Allele frequency attached by ClinVar (database versions not stated): gnomAD exomes below 0.00001.
gnomAD v4.1: 1 of 1,604,906 alleles (0.000062%); highest among the groups gnomAD compares: Non-Finnish European, 0.000085%; no homozygotes.

Submissions (2):

Myriad Genetics, Inc.
Classification: Likely benign for Familial cancer of breast. Last evaluated: 2024-06-20. Review status: criteria provided, single submitter. Criteria: Myriad Autosomal Dominant, Autosomal Recessive and X-Linked Classification Criteria (2023). Collection method: clinical testing. Allele origin: unknown.
Comment: This variant is considered likely benign. This variant is intronic and is not expected to impact mRNA splicing.

Labcorp Genetics (formerly Invitae), Labcorp
Classification: Likely benign for Ataxia-telangiectasia syndrome. Last evaluated: 2024-03-20. Review status: criteria provided, single submitter. Criteria: Invitae Variant Classification Sherloc (09022015). Collection method: clinical testing. Allele origin: germline.

NM_000051.4(ATM):c.8786+7G>A

Genes: ATM (ATM serine/threonine kinase; plus strand), C11orf65 (chromosome 11 open reading frame 65; minus strand). Cytogenetic location: 11q22.3.
Variant type: single nucleotide variant.
Coding change: c.8786+7G>A on transcript NM_000051.4 (MANE Select); 7 bases into the intron after coding-DNA position 8786, G replaced by A.
Molecular consequence: intron variant.
Genome position (GRCh38, 1-based): chr11:108,353,887, G>A. VCF-style: chr11-108353887-G-A. GRCh37 (hg19) VCF-style: chr11-108224614-G-A.
Other names: c.8786+7G>A (NM_001351834.2); c.640+32033C>T (NM_001330368.2); c.695-18595C>T (NM_001351110.2).
Identifiers: ClinVar variation 524459 (VCV000524459.13), dbSNP rs1555142923, ClinGen allele CA658797727.